The following is an entry in ClinVar:

ClinVar aggregate classification (germline): Uncertain significance (1 of 4 stars; one submission).

gnomAD v4.1: 3 of 1,524,688 alleles (0.0002%); highest among the groups gnomAD compares: Middle Eastern, 0.019%; no homozygotes.

Submission:

Labcorp Genetics (formerly Invitae), Labcorp
Classification: Uncertain significance. Last evaluated: 2024-10-16. Review status: criteria provided, single submitter. Criteria: Invitae Variant Classification Sherloc (09022015). Collection method: clinical testing. Allele origin: germline.
Comment: This sequence change replaces arginine, which is basic and polar, with glycine, which is neutral and non-polar, at codon 502 of the CAMK2B protein (p.Arg502Gly). This variant is not present in population databases (gnomAD no frequency). This variant has not been reported in the literature in individuals affected with CAMK2B-related conditions. An algorithm developed to predict the effect of missense changes on protein structure and function (PolyPhen-2) suggests that this variant is likely to be tolerated. Algorithms developed to predict the effect of sequence changes on RNA splicing suggest that this variant may disrupt the consensus splice site. In summary, the available evidence is currently insufficient to determine the role of this variant in disease. Therefore, it has been classified as a Variant of Uncertain Significance.

NM_001220.5(CAMK2B):c.1504A>G (p.Arg502Gly)

Gene: CAMK2B (calcium/calmodulin dependent protein kinase II beta; minus strand). Cytogenetic location: 7p13.
Variant type: single nucleotide variant.
Coding change: c.1504A>G on transcript NM_001220.5 (MANE Select); coding-DNA position 1504, A replaced by G.
Protein change: p.Arg502Gly; replaces arginine 502 with glycine.
Molecular consequence: missense variant. On other transcripts: intron variant (8).
Genome position (GRCh38, 1-based): chr7:44,226,609, T>C on the plus strand (A>G on the coding strand, the complement: CAMK2B is on the minus strand). VCF-style: chr7-44226609-T-C. GRCh37 (hg19) VCF-style: chr7-44266208-T-C.
Other names: c.947-5708A>G (NM_172084.3); c.1150+4397A>G (NM_172080.3); c.1036+4397A>G (NM_172083.3); c.1108+4397A>G (NM_172081.3); c.1153+4397A>G (NM_172079.3, NM_172082.3); c.1225+4397A>G (NM_001293170.2, NM_172078.3); short protein forms R502G.
Identifiers: ClinVar variation 3723043 (VCV003723043.2).